The following is an entry in ClinVar:

NM_005359.6(SMAD4):c.109A>G (p.Lys37Glu)

Gene: SMAD4 (SMAD family member 4; plus strand). Cytogenetic location: 18q21.2.
Variant type: single nucleotide variant.
Coding change: c.109A>G on transcript NM_005359.6 (MANE Select); coding-DNA position 109, A replaced by G.
Protein change: p.Lys37Glu; replaces lysine 37 with glutamic acid.
Molecular consequence: missense variant. On other transcripts: non-coding transcript variant (2).
Genome position (GRCh38, 1-based): chr18:51,047,155, A>G. VCF-style: chr18-51047155-A-G. GRCh37 (hg19) VCF-style: chr18-48573525-A-G.
Other names: c.109A>G, p.Lys37Glu (NM_001407041.1, NM_001407042.1, NM_001407043.1); short protein forms K37E.
Identifiers: ClinVar variation 5029734 (VCV005029734.1).
Genomic context (GRCh38, chr18:51,047,155, plus strand): 5'-CTGAGCATTGTGCATAGTTTGATGTGCCATAGACAAGGTGGAGAGAGTGAAACATTTGCA[A>G]AAAGAGCAATTGAAAGTTTGGTAAAGAAGCTGAAGGAGAAAAAAGATGAATTGGATTCTT-3'
Protein context (NP_005350.1, residues 27-47): RQGGESETFA[Lys37Glu]RAIESLVKKL

ClinVar aggregate classification (germline): Uncertain significance (1 of 4 stars; one submission).

Conditions:
Familial thoracic aortic aneurysm and aortic dissection (TAAD). Also called: Thoracic aortic aneurysms and dissections. Identifiers: Orphanet 91387, MedGen C4707243, MONDO:0019625.
Hereditary cancer-predisposing syndrome. Also called: Neoplastic Syndromes, Hereditary; Tumor predisposition; Hereditary neoplastic syndrome; Hereditary Cancer Syndrome. Identifiers: Orphanet 140162, MedGen C0027672, MeSH D009386, MONDO:0015356.

Submission:

Ambry Genetics
Classification: Uncertain significance for Hereditary cancer-predisposing syndrome; Familial thoracic aortic aneurysm and aortic dissection. Last evaluated: 2026-07-06. Review status: criteria provided, single submitter. Criteria: Ambry Variant Classification Scheme 2023. Collection method: clinical testing. Allele origin: germline.
Comment: The p.K37E variant (also known as c.109A>G), located in coding exon 1 of the SMAD4 gene, results from an A to G substitution at nucleotide position 109. The lysine at codon 37 is replaced by glutamic acid, an amino acid with similar properties. This amino acid position is conserved. In addition, the in silico prediction for this alteration is inconclusive. Based on the available evidence, the clinical significance of this variant remains unclear.